The following is an entry in ClinVar:

ClinVar aggregate classification (germline): Uncertain significance (1 of 4 stars; one submission).

Conditions:
Long QT syndrome (LQTS). Identifiers: MedGen C0023976, MeSH D008133, MONDO:0002442. Disease mechanism: loss of function. Inheritance: Various modes of inheritance.

gnomAD v4.1: 4 of 1,611,468 alleles (0.00025%); highest among the groups gnomAD compares: East Asian, 0.0089%; no homozygotes.

Submission:

Labcorp Genetics (formerly Invitae), Labcorp
Classification: Uncertain significance for Long QT syndrome. Last evaluated: 2025-08-20. Review status: criteria provided, single submitter. Criteria: Invitae Variant Classification Sherloc (09022015). Collection method: clinical testing. Allele origin: germline.
Comment: This sequence change replaces glutamine, which is neutral and polar, with lysine, which is basic and polar, at codon 1636 of the AKAP9 protein (p.Gln1636Lys). This variant is present in population databases (rs756038903, gnomAD 0.02%). This variant has not been reported in the literature in individuals affected with AKAP9-related conditions. An algorithm developed to predict the effect of missense changes on protein structure and function (PolyPhen-2) suggests that this variant is likely to be tolerated. In summary, the available evidence is currently insufficient to determine the role of this variant in disease. Therefore, it has been classified as a Variant of Uncertain Significance.

NM_005751.5(AKAP9):c.4906C>A (p.Gln1636Lys)

Gene: AKAP9 (A-kinase anchoring protein 9; plus strand). Cytogenetic location: 7q21.2.
Variant type: single nucleotide variant.
Coding change: c.4906C>A on transcript NM_005751.5 (MANE Select); coding-DNA position 4906, C replaced by A.
Protein change: p.Gln1636Lys; replaces glutamine 1636 with lysine.
Molecular consequence: missense variant.
Genome position (GRCh38, 1-based): chr7:92,040,887, C>A. VCF-style: chr7-92040887-C-A. GRCh37 (hg19) VCF-style: chr7-91670201-C-A.
Other names: c.4906C>A, p.Gln1636Lys (NM_147185.3); short protein forms Q1636K.
Identifiers: ClinVar variation 4702569 (VCV004702569.1).